The following is an entry in ClinVar:

ClinVar aggregate classification (germline): Likely benign. Review status: criteria provided, multiple submitters, no conflicts (2 of 4 stars). 2 submissions from 2 submitters: Likely benign (2). Last evaluated 2024-09-23.

Conditions:
Hereditary diffuse gastric adenocarcinoma (HDGC). Also called: DIFFUSE GASTRIC AND LOBULAR BREAST CANCER SYNDROME. Identifiers: Orphanet 26106, MedGen C1708349, MONDO:0007648, OMIM 137215.

Submissions (2):

Labcorp Genetics (formerly Invitae), Labcorp
Classification: Likely benign for Hereditary diffuse gastric adenocarcinoma. Last evaluated: 2024-09-23. Review status: criteria provided, single submitter. Criteria: Invitae Variant Classification Sherloc (09022015). Collection method: clinical testing. Allele origin: germline.

Myriad Genetics, Inc.
Classification: Likely benign for Hereditary diffuse gastric adenocarcinoma. Last evaluated: 2024-09-18. Review status: criteria provided, single submitter. Criteria: Myriad Autosomal Dominant, Autosomal Recessive and X-Linked Classification Criteria (2023). Collection method: clinical testing. Allele origin: unknown.
Comment: This variant is considered likely benign. This variant is intronic and is not expected to impact mRNA splicing.

NM_004360.5(CDH1):c.1321-17T>C

Gene: CDH1 (cadherin 1; plus strand). Cytogenetic location: 16q22.1.
Variant type: single nucleotide variant.
Coding change: c.1321-17T>C on transcript NM_004360.5 (MANE Select); 17 bases into the intron before coding-DNA position 1321, T replaced by C.
Molecular consequence: intron variant.
Genome position (GRCh38, 1-based): chr16:68,815,498, T>C. VCF-style: chr16-68815498-T-C. GRCh37 (hg19) VCF-style: chr16-68849401-T-C.
Other names: c.-228-17T>C (NM_001317185.2); c.-499-17T>C (NM_001317186.2); c.1138-17T>C (NM_001317184.2).
Identifiers: ClinVar variation 2047290 (VCV002047290.5), dbSNP rs2152134648, ClinGen allele CA2580091949.